The following is an entry in ClinVar:

ClinVar aggregate classification (germline): Benign. Review status: criteria provided, single submitter (1 of 4 stars). 2 submissions from 1 submitter: Benign (2). Last evaluated 2018-01-12.

Conditions:
Chondrocalcinosis 2. Also called: Familial calcium pyrophosphate deposition; CALCIUM GOUT; CALCIUM PYROPHOSPHATE ARTHROPATHY. Identifiers: Orphanet 1416, MedGen C0856830, MONDO:0007319, OMIM 118600.
Craniometaphyseal dysplasia, autosomal dominant (CMDD). Identifiers: Orphanet 1522, MedGen C1852502, MONDO:0007397, OMIM 123000.

Allele frequency attached by ClinVar (database versions not stated): gnomAD 0.00006 and 0.00038; TOPMed 0.00011; 1000 Genomes Project 30x 0.00156; 1000 Genomes Project 0.00160.

Submissions (2):

Illumina Laboratory Services, Illumina
Classification: Benign for Craniometaphyseal dysplasia, autosomal dominant. Last evaluated: 2018-01-12. Review status: criteria provided, single submitter. Criteria: ICSL Variant Classification Criteria 13 December 2019. Collection method: clinical testing. Allele origin: germline.
Comment: This variant was observed in the ICSL laboratory as part of a predisposition screen in an ostensibly healthy population. It had not been previously curated by ICSL or reported in the Human Gene Mutation Database (HGMD: prior to June 1st, 2018), and was therefore a candidate for classification through an automated scoring system. Utilizing variant allele frequency, disease prevalence and penetrance estimates, and inheritance mode, an automated score was calculated to assess if this variant is too frequent to cause the disease. Based on the score and internal cut-off values, a variant classified as benign is not then subjected to further curation. The score for this variant resulted in a classification of benign for this disease.

Illumina Laboratory Services, Illumina
Classification: Benign for Chondrocalcinosis 2. Last evaluated: 2018-01-12. Review status: criteria provided, single submitter. Criteria: ICSL Variant Classification Criteria 13 December 2019. Collection method: clinical testing. Allele origin: germline.
Comment: the same text as in the submission from Illumina Laboratory Services, Illumina above.

NM_054027.6(ANKH):c.*2262G>T

Genes: ANKH (ANKH inorganic pyrophosphate transport regulator; minus strand), OTULIN (OTU deubiquitinase with linear linkage specificity; plus strand). Cytogenetic location: 5p15.2.
Variant type: single nucleotide variant.
Coding change: c.*2262G>T on transcript NM_054027.6 (MANE Select); 2262 bases downstream of the stop codon, G replaced by T.
Molecular consequence: 3 prime UTR variant.
Genome position (GRCh38, 1-based): chr5:14,708,935, C>A on the plus strand (G>T on the coding strand, the complement: ANKH is on the minus strand). VCF-style: chr5-14708935-C-A. GRCh37 (hg19) VCF-style: chr5-14709044-C-A.
Identifiers: ClinVar variation 904756 (VCV000904756.4), dbSNP rs537181523, ClinGen allele CA114714380.
Genomic context (GRCh38, chr5:14,708,935, plus strand): 5'-CCTGGATTTAGAGGGAAAGGATTTTTTTTTTTTTTGAGATGGAGTTTTGCTCTTGTCACC[C>A]AGGCTGGAGTGCGATGGCGCGATCTCGGCTCACTACAACCTCTGCCTCCCAGGATCAAGC-3'